The following is an entry in ClinVar:

ClinVar aggregate classification (germline): Uncertain significance (0 of 4 stars; one submission).

Conditions:
COL4A1-related disorder. Also called: COL4A1-related disorders; COL4A1-related condition. Identifiers: MedGen CN376119, MONDO:0800461.

gnomAD v4.1: 2 of 1,614,096 alleles (0.00012%); highest among the groups gnomAD compares: South Asian, 0.0011%; no homozygotes.

Submission:

PreventionGenetics, part of Exact Sciences
Classification: Uncertain significance for COL4A1-related condition. Last evaluated: 2024-07-30. Review status: no assertion criteria provided. Collection method: clinical testing. Allele origin: germline.
Comment: The COL4A1 c.2242C>G variant is predicted to result in the amino acid substitution p.Pro748Ala. To our knowledge, this variant has not been reported in the literature or in a large population database, indicating this variant is rare. At this time, the clinical significance of this variant is uncertain due to the absence of conclusive functional and genetic evidence.

NM_001845.6(COL4A1):c.2242C>G (p.Pro748Ala)

Gene: COL4A1 (collagen type IV alpha 1 chain; minus strand). Cytogenetic location: 13q34.
Variant type: single nucleotide variant.
Coding change: c.2242C>G on transcript NM_001845.6 (MANE Select); coding-DNA position 2242, C replaced by G.
Protein change: p.Pro748Ala; replaces proline 748 with alanine.
Molecular consequence: missense variant.
Genome position (GRCh38, 1-based): chr13:110,179,373, G>C on the plus strand (C>G on the coding strand, the complement: COL4A1 is on the minus strand). VCF-style: chr13-110179373-G-C. GRCh37 (hg19) VCF-style: chr13-110831720-G-C.
Other names: short protein forms P748A.
Identifiers: ClinVar variation 3347706 (VCV003347706.1).